The following is an entry in ClinVar:

ClinVar aggregate classification (germline): Uncertain significance. Review status: criteria provided, multiple submitters, no conflicts (2 of 4 stars). 2 submissions from 2 submitters: Uncertain significance (2). Last evaluated 2025-03-06.

Conditions:
Hereditary cancer-predisposing syndrome. Also called: Tumor predisposition; Hereditary neoplastic syndrome; Hereditary Cancer Syndrome; Neoplastic Syndromes, Hereditary. Identifiers: Orphanet 140162, MedGen C0027672, MeSH D009386, MONDO:0015356.
Familial cancer of breast. Also called: BREAST CANCER, FAMILIAL; Hereditary breast cancer; hereditary breast carcinoma. Identifiers: Orphanet 227535, MedGen C0346153, MONDO:0016419, OMIM 114480. Disease mechanism: loss of function.

Submissions (2):

Ambry Genetics
Classification: Uncertain significance for Hereditary cancer-predisposing syndrome. Last evaluated: 2025-03-06. Review status: criteria provided, single submitter. Criteria: Ambry Variant Classification Scheme 2023. Collection method: clinical testing. Allele origin: germline.
Comment: The p.F144Y variant (also known as c.431T>A), located in coding exon 2 of the CHEK2 gene, results from a T to A substitution at nucleotide position 431. The phenylalanine at codon 144 is replaced by tyrosine, an amino acid with highly similar properties. This amino acid position is conserved. In addition, this alteration is predicted to be deleterious by in silico analysis. Based on the available evidence, the clinical significance of this variant remains unclear.

Labcorp Genetics (formerly Invitae), Labcorp
Classification: Uncertain significance for Familial cancer of breast. Last evaluated: 2025-02-17. Review status: criteria provided, single submitter. Criteria: Invitae Variant Classification Sherloc (09022015). Collection method: clinical testing. Allele origin: germline.
Comment: This sequence change replaces phenylalanine, which is neutral and non-polar, with tyrosine, which is neutral and polar, at codon 144 of the CHEK2 protein (p.Phe144Tyr). This variant is not present in population databases (gnomAD no frequency). This variant has not been reported in the literature in individuals affected with CHEK2-related conditions. ClinVar contains an entry for this variant (Variation ID: 961809). An algorithm developed to predict the effect of missense changes on protein structure and function (PolyPhen-2) suggests that this variant is likely to be disruptive. In summary, the available evidence is currently insufficient to determine the role of this variant in disease. Therefore, it has been classified as a Variant of Uncertain Significance.

NM_007194.4(CHEK2):c.431T>A (p.Phe144Tyr)

Gene: CHEK2 (checkpoint kinase 2; minus strand). Cytogenetic location: 22q12.1.
Variant type: single nucleotide variant.
Coding change: c.431T>A on transcript NM_007194.4 (MANE Select); coding-DNA position 431, T replaced by A.
Protein change: p.Phe144Tyr; replaces phenylalanine 144 with tyrosine.
Molecular consequence: missense variant.
Genome position (GRCh38, 1-based): chr22:28,725,256, A>T on the plus strand (T>A on the coding strand, the complement: CHEK2 is on the minus strand). VCF-style: chr22-28725256-A-T. GRCh37 (hg19) VCF-style: chr22-29121244-A-T.
Other names: c.560T>A, p.Phe187Tyr (NM_001005735.3); c.-347T>A (NM_001257387.3); c.431T>A, p.Phe144Tyr (NM_001349956.3, NM_145862.3); short protein forms F144Y, F187Y.
Identifiers: ClinVar variation 961809 (VCV000961809.11), dbSNP rs2053956853, ClinGen allele CA411107904.